The following is an entry in ClinVar:

ClinVar aggregate classification (germline): Uncertain significance (1 of 4 stars; one submission).

Submission:

Labcorp Genetics (formerly Invitae), Labcorp
Classification: Uncertain significance. Last evaluated: 2023-08-30. Review status: criteria provided, single submitter. Criteria: Invitae Variant Classification Sherloc (09022015). Collection method: clinical testing. Allele origin: germline.
Comment: This variant, c.1160_1165dup, results in the insertion of 2 amino acid(s) of the MKL1 protein (p.Val387_Pro388dup), but otherwise preserves the integrity of the reading frame. This variant is not present in population databases (gnomAD no frequency). This variant has not been reported in the literature in individuals affected with MKL1-related conditions. In summary, the available evidence is currently insufficient to determine the role of this variant in disease. Therefore, it has been classified as a Variant of Uncertain Significance.

NM_020831.6(MRTFA):c.1460_1465dup (p.Pro488_Gly489insValPro)

Gene: MRTFA (myocardin related transcription factor A; minus strand). Cytogenetic location: 22q13.1.
Variant type: Duplication.
Coding change: c.1460_1465dup on transcript NM_020831.6 (MANE Select); coding-DNA positions 1460 to 1465, 6 bases duplicated (TGCCAG; older notation c.1460_1465dupTGCCAG).
Protein change: p.Pro488_Gly489insValPro.
Molecular consequence: inframe insertion.
Genome position (GRCh38, 1-based): chr22:40,419,273-40,419,278, CTGGCA duplicated on the plus strand (TGCCAG on the coding strand, the reverse complement: MRTFA is on the minus strand); duplicating any 6 consecutive bases within chr22:40,419,273-40,419,279 gives the same sequence; the c. name uses the placement nearest the transcript's 3' end. VCF-style (leftmost placement, unchanged base first): chr22-40419272-C-CCTGGCA. GRCh37 (hg19) VCF-style: chr22-40815276-C-CCTGGCA.
Other names: c.1160_1165dup, p.Pro388_Gly389insValPro (NM_001282660.2); c.1310_1315dup, p.Pro438_Gly439insValPro (NM_001282661.3); c.1460_1465dup, p.Pro488_Gly489insValPro (NM_001282662.3); c.1265_1270dup, p.Pro423_Gly424insValPro (NM_001318139.2).
Identifiers: ClinVar variation 2756673 (VCV002756673.3), dbSNP rs2517818379, ClinGen allele CA2697552778.